The following is an entry in ClinVar:

ClinVar aggregate classification (germline): Benign/Likely benign. Review status: criteria provided, multiple submitters, no conflicts (2 of 4 stars). 6 submissions from 5 submitters: Benign (5); Likely benign (1). Last evaluated 2025-11-12.

Conditions:
Perry syndrome. Also called: PARKINSONISM WITH ALVEOLAR HYPOVENTILATION AND MENTAL DEPRESSION. Identifiers: Orphanet 178509, MedGen C1868594, MONDO:0008201, OMIM 168605.
Inborn genetic diseases. Identifiers: MedGen C0950123, MeSH D030342.
Amyotrophic lateral sclerosis type 1 (ALS1). Also called: AMYOTROPHIC LATERAL SCLEROSIS 1, FAMILIAL. Identifiers: Orphanet 803, MedGen C1862939, MONDO:0007103, OMIM 105400.
Neuronopathy, distal hereditary motor, type 7B. Also called: HMN VIIB; LOWER MOTOR NEURON DISEASE, DYNACTIN TYPE; NEURONOPATHY, DISTAL HEREDITARY MOTOR, AUTOSOMAL DOMINANT 14; NEURONOPATHY, DISTAL HEREDITARY MOTOR, HARDING TYPE VIIB; NEUROPATHY, DISTAL HEREDITARY MOTOR, HARDING TYPE VIIB; NEUROPATHY, DISTAL HEREDITARY MOTOR, WITH VOCAL CORD PARALYSIS, HARDING TYPE VIIB. Identifiers: Orphanet 139589, MedGen C1843315, MONDO:0011879, OMIM 607641.

Allele frequency attached by ClinVar (database versions not stated): gnomAD exomes 0.00021 and 0.00062; ExAC 0.00084; TOPMed 0.00221; gnomAD 0.00237 and 0.00250; ESP Exome Variant Server 0.00300; 1000 Genomes Project 0.00319; 1000 Genomes Project 30x 0.00422.
gnomAD v4.1: 673 of 1,613,874 alleles (0.042%); highest among the groups gnomAD compares: African/African-American, 0.77%; 7 homozygotes.

Submissions (6):

Labcorp Genetics (formerly Invitae), Labcorp
Classification: Benign for Amyotrophic lateral sclerosis type 1; Neuronopathy, distal hereditary motor, type 7B; Perry syndrome. Last evaluated: 2025-11-12. Review status: criteria provided, single submitter. Criteria: Invitae Variant Classification Sherloc (09022015). Collection method: clinical testing. Allele origin: germline.

Ambry Genetics
Classification: Likely benign for Inborn genetic diseases. Last evaluated: 2019-07-11. Review status: criteria provided, single submitter. Criteria: Ambry Variant Classification Scheme 2023. Collection method: clinical testing. Allele origin: germline.

ARUP Laboratories, Molecular Genetics and Genomics, ARUP Laboratories
Classification: Benign. Last evaluated: 2018-08-09. Review status: criteria provided, single submitter. Criteria: ARUP Molecular Germline Variant Investigation Process. Collection method: clinical testing. Allele origin: germline.

Athena Diagnostics
Classification: Benign. Last evaluated: 2018-06-26. Review status: criteria provided, single submitter. Criteria: Athena Diagnostics Criteria. Collection method: clinical testing. Allele origin: germline.

Illumina Laboratory Services, Illumina
Classification: Benign for Perry syndrome. Last evaluated: 2018-01-13. Review status: criteria provided, single submitter. Criteria: ICSL Variant Classification Criteria 13 December 2019. Collection method: clinical testing. Allele origin: germline.
Comment: This variant was observed in the ICSL laboratory as part of a predisposition screen in an ostensibly healthy population. It had not been previously curated by ICSL or reported in the Human Gene Mutation Database (HGMD: prior to June 1st, 2018), and was therefore a candidate for classification through an automated scoring system. Utilizing variant allele frequency, disease prevalence and penetrance estimates, and inheritance mode, an automated score was calculated to assess if this variant is too frequent to cause the disease. Based on the score and internal cut-off values, a variant classified as benign is not then subjected to further curation. The score for this variant resulted in a classification of benign for this disease.

Illumina Laboratory Services, Illumina
Classification: Benign for Neuronopathy, distal hereditary motor, type 7B. Last evaluated: 2018-01-13. Review status: criteria provided, single submitter. Criteria: ICSL Variant Classification Criteria 13 December 2019. Collection method: clinical testing. Allele origin: germline.
Comment: the same text as in the submission from Illumina Laboratory Services, Illumina above.

NM_004082.5(DCTN1):c.3594C>T (p.Thr1198=)

Gene: DCTN1 (dynactin subunit 1; minus strand). Cytogenetic location: 2p13.1.
Variant type: single nucleotide variant.
Coding change: c.3594C>T on transcript NM_004082.5 (MANE Select); coding-DNA position 3594, C replaced by T.
Protein change: p.Thr1198=; no amino-acid change (threonine 1198 retained).
Molecular consequence: synonymous variant. On other transcripts: non-coding transcript variant (1).
Genome position (GRCh38, 1-based): chr2:74,362,665, G>A on the plus strand (C>T on the coding strand, the complement: DCTN1 is on the minus strand). VCF-style: chr2-74362665-G-A. GRCh37 (hg19) VCF-style: chr2-74589792-G-A.
Other names: c.3519C>T, p.Thr1173= (NM_001135040.3); c.3177C>T, p.Thr1059= (NM_001135041.3); c.3468C>T, p.Thr1156= (NM_001190836.2); c.3573C>T, p.Thr1191= (NM_001190837.2); c.3543C>T, p.Thr1181= (NM_001378991.1); c.3525C>T, p.Thr1175= (NM_001378992.1); c.3192C>T, p.Thr1064= (NM_023019.4).
Identifiers: ClinVar variation 337070 (VCV000337070.27), dbSNP rs115689748, ClinGen allele CA1721435.
Genomic context (GRCh38, chr2:74,362,665, plus strand): 5'-CAGTTTATGCTGTGAAGTGAGCTCTGCCTGGCAAACTGAGCTGACCTTGAGCTTCTCGAC[G>A]GTGTCACTCAGGGACTTAAGCTGAGCCACTTGCTCCATAAGTTGGGCCGACGGGCTCTTG-3'
Protein context (NP_004073.2, residues 1188-1208): QVAQLKSLSD[Thr1198=]VEKLKDEVLK